The following is an entry in ClinVar:

NM_002451.4(MTAP):c.*3851C>G

Gene: MTAP (methylthioadenosine phosphorylase; plus strand). Cytogenetic location: 9p21.3.
Variant type: single nucleotide variant.
Coding change: c.*3851C>G on transcript NM_002451.4 (MANE Select); 3851 bases downstream of the stop codon, C replaced by G.
Molecular consequence: 3 prime UTR variant.
Genome position (GRCh38, 1-based): chr9:21,865,865, C>G. VCF-style: chr9-21865865-C-G. GRCh37 (hg19) VCF-style: chr9-21865864-C-G.
Identifiers: ClinVar variation 366315 (VCV000366315.5), dbSNP rs76751525, ClinGen allele CA10633589.

ClinVar aggregate classification (germline): Benign (1 of 4 stars; one submission).

Conditions:
Diaphyseal medullary stenosis-bone malignancy syndrome. Also called: MYOPATHY, LIMB-GIRDLE, WITH BONE FRAGILITY; BONE DYSPLASIA WITH MALIGNANT FIBROUS HISTIOCYTOMA; BONE DYSPLASIA WITH MEDULLARY FIBROSARCOMA. Identifiers: Orphanet 85182, MedGen C1862177, MONDO:0007205, OMIM 112250.

Allele frequency attached by ClinVar (database versions not stated): gnomAD exomes 0.00080; 1000 Genomes Project 0.01058; gnomAD 0.01110 and 0.01197; 1000 Genomes Project 30x 0.01156; TOPMed 0.01244.
gnomAD v4.1: 2,223 of 810,602 alleles (0.27%); highest among the groups gnomAD compares: African/African-American, 3.8%; 34 homozygotes.

Submission:

Illumina Laboratory Services, Illumina
Classification: Benign for Diaphyseal medullary stenosis-bone malignancy syndrome. Last evaluated: 2018-01-13. Review status: criteria provided, single submitter. Criteria: ICSL Variant Classification Criteria 13 December 2019. Collection method: clinical testing. Allele origin: germline.
Comment: This variant was observed in the ICSL laboratory as part of a predisposition screen in an ostensibly healthy population. It had not been previously curated by ICSL or reported in the Human Gene Mutation Database (HGMD: prior to June 1st, 2018), and was therefore a candidate for classification through an automated scoring system. Utilizing variant allele frequency, disease prevalence and penetrance estimates, and inheritance mode, an automated score was calculated to assess if this variant is too frequent to cause the disease. Based on the score and internal cut-off values, a variant classified as benign is not then subjected to further curation. The score for this variant resulted in a classification of benign for this disease.